The following is an entry in ClinVar:

ClinVar aggregate classification (germline): Conflicting classifications of pathogenicity. Review status: criteria provided, conflicting classifications (1 of 4 stars). 8 submissions from 8 submitters: Uncertain significance (1); Benign (1); Likely benign (5). 1 of the submissions does not count toward it. Last evaluated 2026-01-18.

Conditions:
Dilated cardiomyopathy 1G (CMD1G). Identifiers: Orphanet 154, MedGen C1858763, MONDO:0011400, OMIM 604145.
Autosomal recessive limb-girdle muscular dystrophy type 2J (LGMDR10). Also called: Limb-girdle muscular dystrophy, type 2J; MUSCULAR DYSTROPHY, LIMB-GIRDLE, AUTOSOMAL RECESSIVE 10. Identifiers: Orphanet 140922, MedGen C1837342, MONDO:0012127, OMIM 608807.
Cardiovascular phenotype. Identifiers: MedGen CN230736.
TTN-related disorder. Also called: TTN-related condition; TTN-related disease; TTN-related disorders.
Cardiomyopathy (CMYO). Also called: Cardiomyopathies. Identifiers: Orphanet 167848, MedGen C0878544, MONDO:0004994, HP:0001638. Inheritance: Various modes of inheritance.

Allele frequency attached by ClinVar (database versions not stated): gnomAD exomes 0.00004 and 0.00006; ExAC 0.00008; 1000 Genomes Project 0.00020; ESP Exome Variant Server 0.00025; 1000 Genomes Project 30x 0.00031; gnomAD 0.00036 and 0.00041; TOPMed 0.00048.
gnomAD v4.1: 109 of 1,613,802 alleles (0.0068%); highest among the groups gnomAD compares: African/African-American, 0.12%; no homozygotes.

Submissions (8):

Labcorp Genetics (formerly Invitae), Labcorp
Classification: Likely benign for Dilated cardiomyopathy 1G; Autosomal recessive limb-girdle muscular dystrophy type 2J. Last evaluated: 2026-01-18. Review status: criteria provided, single submitter. Criteria: Invitae Variant Classification Sherloc (09022015). Collection method: clinical testing. Allele origin: germline.

Women's Health and Genetics/Laboratory Corporation of America, LabCorp
Classification: Likely benign. Last evaluated: 2025-07-20. Review status: criteria provided, single submitter. Criteria: LabCorp Variant Classification Summary - May 2015. Collection method: clinical testing. Allele origin: germline.

Molecular Diagnostic Laboratory for Inherited Cardiovascular Disease, Montreal Heart Institute
Classification: Likely benign. Last evaluated: 2025-04-09. Review status: criteria provided, single submitter. Criteria: ACMG Guidelines, 2015. Collection method: clinical testing. Allele origin: germline. Affected: no.
Comment: BS1;BP1;BP6

CHEO Genetics Diagnostic Laboratory, Children's Hospital of Eastern Ontario
Classification: Likely benign for Cardiomyopathy. Last evaluated: 2019-04-01. Review status: criteria provided, single submitter. Criteria: ACMG Guidelines, 2015. Collection method: clinical testing. Allele origin: germline.

Ambry Genetics
Classification: Likely benign for Cardiovascular phenotype. Last evaluated: 2018-11-14. Review status: criteria provided, single submitter. Criteria: Ambry Variant Classification Scheme 2023. Collection method: clinical testing. Allele origin: germline.

Eurofins Ntd Llc (ga)
Classification: Uncertain significance. Last evaluated: 2017-11-15. Review status: criteria provided, single submitter. Criteria: EGL Classification Definitions 2015. Collection method: clinical testing. Allele origin: germline. Observed: 2 variant alleles, 2 heterozygotes.

GeneDx
Classification: Benign. Last evaluated: 2016-04-13. Review status: criteria provided, single submitter. Criteria: GeneDx Variant Classification (06012015). Collection method: clinical testing. Allele origin: germline. Affected: yes.
Comment: This variant is considered likely benign or benign based on one or more of the following criteria: it is a conservative change, it occurs at a poorly conserved position in the protein, it is predicted to be benign by multiple in silico algorithms, and/or has population frequency not consistent with disease.

PreventionGenetics, part of Exact Sciences
Classification: Likely benign for TTN-related condition. Last evaluated: 2019-03-12. Review status: no assertion criteria provided. Collection method: clinical testing. Allele origin: germline. Not counted in ClinVar's aggregate classification.
Comment: This variant is classified as likely benign based on ACMG/AMP sequence variant interpretation guidelines (Richards et al. 2015 PMID: 25741868, with internal and published modifications).

NM_001267550.2(TTN):c.92241T>C (p.Gly30747=)

Genes: TTN-AS1 (TTN antisense RNA 1; plus strand), TTN (titin; minus strand). Cytogenetic location: 2q31.2.
Variant type: single nucleotide variant.
Coding change: c.92241T>C on transcript NM_001267550.2 (MANE Select); coding-DNA position 92241, T replaced by C.
Protein change: p.Gly30747=; no amino-acid change (glycine 30747 retained).
Molecular consequence: synonymous variant.
Genome position (GRCh38, 1-based): chr2:178,549,385, A>G on the plus strand (T>C on the coding strand, the complement: TTN is on the minus strand). VCF-style: chr2-178549385-A-G. GRCh37 (hg19) VCF-style: chr2-179414112-A-G.
Other names: c.87318T>C, p.Gly29106= (NM_001256850.1); c.65046T>C, p.Gly21682= (NM_003319.4); c.84537T>C, p.Gly28179= (NM_133378.4); c.65421T>C, p.Gly21807= (NM_133432.3); c.65622T>C, p.Gly21874= (NM_133437.4).
Identifiers: ClinVar variation 378828 (VCV000378828.23), dbSNP rs373311745, ClinGen allele CA1987465.
Genomic context (GRCh38, chr2:178,549,385, plus strand): 5'-TACCCATCTTGTGCTTTTCTTTTCTCTTCTTTCAAGGATATACTGTTGAATTTCACTGCC[A>G]CCATCTGATTCTGGCCTTGCCCATGTCAGGGTAATGCTGTTGCCTGTTATGTTGCTAGGT-3'
Protein context (NP_001254479.2, residues 30737-30757): TLTWARPESD[Gly30747=]GSEIQQYILE